The following is an entry in ClinVar:

ClinVar aggregate classification (germline): Likely benign (1 of 4 stars; one submission).

Allele frequency attached by ClinVar (database versions not stated): 1000 Genomes Project 30x 0.00062; 1000 Genomes Project 0.00080; ESP Exome Variant Server 0.00277.
gnomAD v4.1: 5,724 of 1,614,098 alleles (0.35%); highest among the groups gnomAD compares: Non-Finnish European, 0.44%; 23 homozygotes.

Submission:

CeGaT Center for Human Genetics Tuebingen
Classification: Likely benign. Last evaluated: 2022-12-01. Review status: criteria provided, single submitter. Criteria: CeGaT Center For Human Genetics Tuebingen Variant Classification Criteria Version 2. Collection method: clinical testing. Allele origin: germline. Affected: yes. Observed: 1 variant allele.
Comment: PNPLA7: BP4, BP7, BS2

NM_001098537.3(PNPLA7):c.453C>T (p.Asp151=)

Gene: PNPLA7 (patatin like domain 7, lysophospholipase; minus strand). Cytogenetic location: 9q34.3.
Variant type: single nucleotide variant.
Coding change: c.453C>T on transcript NM_001098537.3 (MANE Select); coding-DNA position 453, C replaced by T.
Protein change: p.Asp151=; no amino-acid change (aspartic acid 151 retained).
Molecular consequence: synonymous variant.
Genome position (GRCh38, 1-based): chr9:137,543,485, G>A on the plus strand (C>T on the coding strand, the complement: PNPLA7 is on the minus strand). VCF-style: chr9-137543485-G-A. GRCh37 (hg19) VCF-style: chr9-140437937-G-A.
Other names: c.378C>T, p.Asp126= (NM_152286.5).
Identifiers: ClinVar variation 2659828 (VCV002659828.24), dbSNP rs139510260, ClinGen allele CA5372362.